The following is an entry in ClinVar:

NM_001330360.2(POLA1):c.3950G>A (p.Ser1317Asn)

Gene: POLA1 (DNA polymerase alpha 1, catalytic subunit; plus strand). Cytogenetic location: Xp22.11.
Variant type: single nucleotide variant.
Coding change: c.3950G>A on transcript NM_001330360.2 (MANE Select); coding-DNA position 3950, G replaced by A.
Protein change: p.Ser1317Asn; replaces serine 1317 with asparagine.
Molecular consequence: missense variant. On other transcripts: non-coding transcript variant (2).
Genome position (GRCh38, 1-based): chrX:24,843,580, G>A. VCF-style: chrX-24843580-G-A. GRCh37 (hg19) VCF-style: chrX-24861697-G-A.
Other names: c.3875G>A, p.Ser1292Asn (NM_001378303.1); c.3932G>A, p.Ser1311Asn (NM_016937.4); short protein forms S1292N, S1311N, S1317N.
Identifiers: ClinVar variation 1805959 (VCV001805959.1), dbSNP rs2518749252, ClinGen allele CA412608406.

ClinVar aggregate classification (germline): Uncertain significance (1 of 4 stars; one submission).

Conditions:
X-linked intellectual disability, van Esch type. Also called: Van Esch-O'Driscoll syndrome; MENTAL RETARDATION, X-LINKED, SYNDROMIC, VAN ESCH-O''DRISCOLL TYPE. Identifiers: Orphanet 163976, MedGen C4305072, MONDO:0015601, OMIM 301030.

Allele frequency attached by ClinVar (database versions not stated): gnomAD exomes below 0.00001.
gnomAD v4.1: 3 of 1,192,209 alleles (0.00025%); highest among the groups gnomAD compares: Non-Finnish European, 0.00023%; no homozygotes.

Submission:

Victorian Clinical Genetics Services, Murdoch Childrens Research Institute
Classification: Uncertain significance for X-linked intellectual disability, van Esch type. Last evaluated: 2022-09-02. Review status: criteria provided, single submitter. Criteria: ACMG Guidelines, 2015. Collection method: clinical testing. Allele origin: germline. Inheritance: X-linked recessive inheritance. Affected: yes.
Comment: Based on the classification scheme VCGS_Germline_v1.3.4, this variant is classified as VUS-3B. Following criteria are met: 0102 - Loss of function is a known mechanism of disease in this gene and is associated with pigmentary disorder, reticulate, with systemic manifestations (PDR; MIM#301220), and Van Esch-O'Driscoll syndrome (VEODS; MIM#301030). PDR has only been reported in individuals with the same intronic variant (PMID: 27019227, PMID: 31006512). (I) 0109 - This gene is associated with X-linked recessive disease. Carrier females with the recurring PDR variant have been reported with restricted pigmentary changes (PMID: 27019227). (I) 0200 - Variant is predicted to result in a missense amino acid change from serine to asparagine. (I) 0253 - This variant is hemizygous. (I) 0301 - Variant is absent from gnomAD (both v2 and v3). (SP) 0309 - An alternative amino acid change at the same position has been observed in gnomAD (v3) (1 heterozygote, 0 homozygotes, 1 hemizygote). (I) 0502 - Missense variant with conflicting in silico predictions and uninformative conservation. (I) 0600 - Variant is located in the annotated zf-DNA_Pol domain (DECIPHER). (I) 0705 - No comparable missense variants have previous evidence for pathogenicity. (I) 0807 - This variant has no previous evidence of pathogenicity. (I) 0905 - No published segregation evidence has been identified for this variant. (I) 1007 - No published functional evidence has been identified for this variant. (I) 1208 - Inheritance information for this variant is not currently available in this individual. (I) Legend: (SP) - Supporting pathogenic, (I) - Information, (SB) - Supporting benign

Literature cited by the submitters: PubMed 27019227; PubMed 31006512.